The following is an entry in ClinVar:

NM_000465.4(BARD1):c.1697G>A (p.Arg566Lys)

Gene: BARD1 (BRCA1 associated RING domain 1; minus strand). Cytogenetic location: 2q35.
Variant type: single nucleotide variant.
Coding change: c.1697G>A on transcript NM_000465.4 (MANE Select); coding-DNA position 1697, G replaced by A.
Protein change: p.Arg566Lys; replaces arginine 566 with lysine.
Molecular consequence: missense variant. On other transcripts: non-coding transcript variant (3), intron variant (1).
Genome position (GRCh38, 1-based): chr2:214,745,835, C>T on the plus strand (G>A on the coding strand, the complement: BARD1 is on the minus strand). VCF-style: chr2-214745835-C-T. GRCh37 (hg19) VCF-style: chr2-215610559-C-T.
Other names: c.1697G>A (NM_000465.2); c.1640G>A, p.Arg547Lys (NM_001282543.2); c.344G>A, p.Arg115Lys (NM_001282545.2); c.287G>A, p.Arg96Lys (NM_001282548.2); c.365-15327G>A (NM_001282549.2); short protein forms R547K, R566K, R115K, R96K.
Identifiers: ClinVar variation 655396 (VCV000655396.16), dbSNP rs1357185397, ClinGen allele CA350453272.

ClinVar aggregate classification (germline): Uncertain significance. Review status: criteria provided, multiple submitters, no conflicts (2 of 4 stars). 6 submissions from 6 submitters: Uncertain significance (6). Last evaluated 2025-08-24.

Conditions:
Hereditary cancer-predisposing syndrome. Also called: Neoplastic Syndromes, Hereditary; Hereditary Cancer Syndrome; Tumor predisposition; Hereditary neoplastic syndrome. Identifiers: Orphanet 140162, MedGen C0027672, MeSH D009386, MONDO:0015356.
Familial cancer of breast. Also called: BREAST CANCER, FAMILIAL; Hereditary breast cancer; hereditary breast carcinoma. Identifiers: Orphanet 227535, MedGen C0346153, MONDO:0016419, OMIM 114480. Disease mechanism: loss of function.

Allele frequency attached by ClinVar (database versions not stated): TOPMed below 0.00001.
gnomAD v4.1: 3 of 1,614,062 alleles (0.00019%); highest among the groups gnomAD compares: Admixed American, 0.0017%; no homozygotes.

Submissions (6):

Ambry Genetics
Classification: Uncertain significance for Hereditary cancer-predisposing syndrome. Last evaluated: 2025-08-24. Review status: criteria provided, single submitter. Criteria: Ambry Variant Classification Scheme 2023. Collection method: clinical testing. Allele origin: germline.
Comment: The p.R566K variant (also known as c.1697G>A), located in coding exon 8 of the BARD1 gene, results from a G to A substitution at nucleotide position 1697. The arginine at codon 566 is replaced by lysine, an amino acid with highly similar properties. This amino acid position is not well conserved in available vertebrate species. In addition, this alteration is predicted to be tolerated by in silico analysis. Since supporting evidence is limited at this time, the clinical significance of this alteration remains unclear.

Labcorp Genetics (formerly Invitae), Labcorp
Classification: Uncertain significance for Familial cancer of breast. Last evaluated: 2025-08-13. Review status: criteria provided, single submitter. Criteria: Invitae Variant Classification Sherloc (09022015). Collection method: clinical testing. Allele origin: germline.
Comment: This sequence change replaces arginine, which is basic and polar, with lysine, which is basic and polar, at codon 566 of the BARD1 protein (p.Arg566Lys). This variant is not present in population databases (gnomAD no frequency). This variant has not been reported in the literature in individuals affected with BARD1-related conditions. ClinVar contains an entry for this variant (Variation ID: 655396). An algorithm developed to predict the effect of missense changes on protein structure and function outputs the following: PolyPhen-2: "Benign". The lysine amino acid residue is found in multiple mammalian species, which suggests that this missense change does not adversely affect protein function. In summary, the available evidence is currently insufficient to determine the role of this variant in disease. Therefore, it has been classified as a Variant of Uncertain Significance.

GeneDx
Classification: Uncertain significance. Last evaluated: 2025-06-08. Review status: criteria provided, single submitter. Criteria: GeneDx Variant Classification Process June 2021. Collection method: clinical testing. Allele origin: germline. Affected: yes.
Comment: Not observed at significant frequency in large population cohorts (gnomAD); In silico analysis suggests that this missense variant does not alter protein structure/function; Observed in a breast cancer case as well as in an unaffected control (PMID: 33471991); This variant is associated with the following publications: (PMID: 18842000, 33471991)

Blueprint Genetics
Classification: Uncertain significance. Last evaluated: 2024-09-24. Review status: criteria provided, single submitter. Criteria: ACMG Guidelines, 2015. Collection method: clinical testing. Allele origin: germline.

Sema4
Classification: Uncertain significance for Hereditary cancer-predisposing syndrome. Last evaluated: 2021-10-25. Review status: criteria provided, single submitter. Criteria: Sema4 Curation Guidelines. Collection method: curation. Allele origin: germline.
Comment: The BARD1 c.1697G>A (p.R566K) variant has been reported in heterozygosity in at least one individual with breast cancer (PMID: 33471991). It was not observed in the large and broad cohorts of the Genome Aggregation Database (PMID: 32461654). The variant has been reported in ClinVar (Variation ID 655396). In silico tools suggest the impact of the variant on protein function is benign, though these predictions have not been confirmed by functional studies. The evidence is insufficient to meet ACMG/AMP criteria for classifying the variant as benign or pathogenic. Thus, the clinical significance of this variant is currently uncertain.

Color Diagnostics, LLC DBA Color Health
Classification: Uncertain significance for Hereditary cancer-predisposing syndrome. Last evaluated: 2019-01-10. Review status: criteria provided, single submitter. Criteria: ACMG Guidelines, 2015. Collection method: clinical testing. Allele origin: germline.

Literature cited by the submitters: PubMed 33471991 (cited by Sema4).